The following is an entry in ClinVar:

NM_001040142.2(SCN2A):c.5434T>A (p.Phe1812Ile)

Gene: SCN2A (sodium voltage-gated channel alpha subunit 2; plus strand). Cytogenetic location: 2q24.3.
Variant type: single nucleotide variant.
Coding change: c.5434T>A on transcript NM_001040142.2 (MANE Select); coding-DNA position 5434, T replaced by A.
Protein change: p.Phe1812Ile; replaces phenylalanine 1812 with isoleucine.
Molecular consequence: missense variant.
Genome position (GRCh38, 1-based): chr2:165,389,240, T>A. VCF-style: chr2-165389240-T-A. GRCh37 (hg19) VCF-style: chr2-166245750-T-A.
Other names: p.F1812I:TTT>ATT; c.5434T>A, p.Phe1812Ile (NM_001040143.2, NM_001371246.1, NM_001371247.1 and 1 more transcripts); short protein forms F1812I.
Identifiers: ClinVar variation 207026 (VCV000207026.2), dbSNP rs796053164, ClinGen allele CA318039.

ClinVar aggregate classification (germline): Uncertain significance (1 of 4 stars; one submission).

Submission:

GeneDx
Classification: Uncertain significance. Last evaluated: 2013-10-10. Review status: criteria provided, single submitter. Criteria: GeneDx Variant Classification (06012015). Collection method: clinical testing. Allele origin: germline. Affected: yes.
Comment: p.Phe1812Ile (TTT>ATT): c.5434 T>A in exon 27 of the SCN2A gene (NM_021007.2). The Phe1812Ile missense change has not been published as a mutation, nor has it been reported as a benign polymorphism to our knowledge. It was not observed in approximately 6,500 individuals of European and African American ancestry in the NHLBI Exome Sequencing Project, indicating it is not a common benign variant in these populations. This variant is a conservative substitution of one uncharged, non-polar amino acid for another. In silico analysis predicts this variant is probably damaging to the protein structure/function. It alters a conserved position in the C-terminus of the protein, however very few mutations have been reported in this region of the gene. Therefore, based on the currently available information, it is unclear whether Phe1812Ile is a disease-causing mutation or a rare benign variant. The variant is found in CHILD-EPI panel(s).